The following is an entry in ClinVar:

NM_020738.4(KIDINS220):c.2972G>C (p.Gly991Ala)

Gene: KIDINS220 (kinase D interacting substrate 220; minus strand). Cytogenetic location: 2p25.1.
Variant type: single nucleotide variant.
Coding change: c.2972G>C on transcript NM_020738.4 (MANE Select); coding-DNA position 2972, G replaced by C.
Protein change: p.Gly991Ala; replaces glycine 991 with alanine.
Molecular consequence: missense variant. On other transcripts: non-coding transcript variant (2).
Genome position (GRCh38, 1-based): chr2:8,770,709, C>G on the plus strand (G>C on the coding strand, the complement: KIDINS220 is on the minus strand). VCF-style: chr2-8770709-C-G. GRCh37 (hg19) VCF-style: chr2-8910839-C-G.
Other names: c.2975G>C, p.Gly992Ala (NM_001348729.2, NM_001348731.2, NM_001348734.2 and 3 more transcripts); c.2972G>C, p.Gly991Ala (NM_001348732.2, NM_001348735.2, NM_001348738.2 and 3 more transcripts); c.2846G>C, p.Gly949Ala (NM_001348736.2); short protein forms G949A, G991A, G992A.
Identifiers: ClinVar variation 2650653 (VCV002650653.24), dbSNP rs2527829496, ClinGen allele CA345773794.

ClinVar aggregate classification (germline): Uncertain significance (1 of 4 stars; one submission).

Submission:

CeGaT Center for Human Genetics Tuebingen
Classification: Uncertain significance. Last evaluated: 2023-08-01. Review status: criteria provided, single submitter. Criteria: CeGaT Center For Human Genetics Tuebingen Variant Classification Criteria Version 2. Collection method: clinical testing. Allele origin: germline. Affected: yes. Observed: 1 variant allele.
Comment: KIDINS220: PM2